The following is an entry in ClinVar:

ClinVar aggregate classification (germline): Uncertain significance. Review status: criteria provided, multiple submitters, no conflicts (2 of 4 stars). 5 submissions from 5 submitters: Uncertain significance (5). Last evaluated 2025-03-07.

Conditions:
Inborn genetic diseases. Identifiers: MedGen C0950123, MeSH D030342.
Myofibrillar myopathy 3 (MFM3). Also called: Muscular dystrophy, proximal, type 1A; Autosomal dominant spheroid body myopathy. Identifiers: Orphanet 266, Orphanet 268129, MedGen C3714934, MONDO:0012215, OMIM 609200.

Allele frequency attached by ClinVar (database versions not stated): gnomAD exomes below 0.00001 and 0.00001; ExAC 0.00001; gnomAD 0.00001.
gnomAD v4.1: 12 of 1,613,514 alleles (0.00074%); highest among the groups gnomAD compares: Non-Finnish European, 0.001%; no homozygotes.

Submissions (5):

Ambry Genetics
Classification: Uncertain significance for Inborn genetic diseases. Last evaluated: 2025-03-07. Review status: criteria provided, single submitter. Criteria: Ambry Variant Classification Scheme 2023. Collection method: clinical testing. Allele origin: germline.

Women's Health and Genetics/Laboratory Corporation of America, LabCorp
Classification: Uncertain significance. Last evaluated: 2024-12-06. Review status: criteria provided, single submitter. Criteria: LabCorp Variant Classification Summary - May 2015. Collection method: clinical testing. Allele origin: germline.

Labcorp Genetics (formerly Invitae), Labcorp
Classification: Uncertain significance for Myofibrillar myopathy 3. Last evaluated: 2024-04-29. Review status: criteria provided, single submitter. Criteria: Invitae Variant Classification Sherloc (09022015). Collection method: clinical testing. Allele origin: germline.
Comment: This sequence change replaces cysteine, which is neutral and slightly polar, with arginine, which is basic and polar, at codon 434 of the MYOT protein (p.Cys434Arg). This variant is present in population databases (rs769872126, gnomAD 0.002%). This variant has not been reported in the literature in individuals affected with MYOT-related conditions. ClinVar contains an entry for this variant (Variation ID: 502240). An algorithm developed to predict the effect of missense changes on protein structure and function (PolyPhen-2) suggests that this variant is likely to be disruptive. In summary, the available evidence is currently insufficient to determine the role of this variant in disease. Therefore, it has been classified as a Variant of Uncertain Significance.

Revvity Omics, Revvity
Classification: Uncertain significance for Myofibrillar myopathy 3. Last evaluated: 2020-02-04. Review status: criteria provided, single submitter. Criteria: ACMG Guidelines, 2015. Collection method: clinical testing. Allele origin: germline.

Eurofins Ntd Llc (ga)
Classification: Uncertain significance. Last evaluated: 2017-05-25. Review status: criteria provided, single submitter. Criteria: EGL Classification Definitions 2015. Collection method: clinical testing. Allele origin: germline. Observed: 1 variant allele, 1 heterozygote.

NM_006790.3(MYOT):c.1300T>C (p.Cys434Arg)

Genes: PKD2L2-DT (PKD2L2 divergent transcript; minus strand), MYOT (myotilin; plus strand). Cytogenetic location: 5q31.2.
Variant type: single nucleotide variant.
Coding change: c.1300T>C on transcript NM_006790.3 (MANE Select); coding-DNA position 1300, T replaced by C.
Protein change: p.Cys434Arg; replaces cysteine 434 with arginine.
Molecular consequence: missense variant.
Genome position (GRCh38, 1-based): chr5:137,886,973, T>C. VCF-style: chr5-137886973-T-C. GRCh37 (hg19) VCF-style: chr5-137222662-T-C.
Other names: c.748T>C, p.Cys250Arg (NM_001135940.2); c.955T>C, p.Cys319Arg (NM_001300911.2); c.1300T>C (NM_006790.2); short protein forms C434R, C319R, C250R.
Identifiers: ClinVar variation 502240 (VCV000502240.18), dbSNP rs769872126, ClinGen allele CA3423148.
Genomic context (GRCh38, chr5:137,886,973, plus strand): 5'-AACAAGAAAGATGCTGGGTGGTATACTGTGTCAGCAGTTAATGAAGCTGGAGTGACTACA[T>C]GTAACACAAGATTAGACGTTACGGGTATGTCATACTATTAACCAAAGTATTATAAGGGAT-3'
Protein context (NP_006781.1, residues 424-444): SAVNEAGVTT[Cys434Arg]NTRLDVTARP